The following is an entry in ClinVar:

ClinVar aggregate classification (germline): Uncertain significance. Review status: criteria provided, multiple submitters, no conflicts (2 of 4 stars). 2 submissions from 2 submitters: Uncertain significance (2). Last evaluated 2021-03-26.

Conditions:
Inborn genetic diseases. Identifiers: MedGen C0950123, MeSH D030342.

gnomAD v4.1: 7 of 1,614,244 alleles (0.00043%); highest among the groups gnomAD compares: African/African-American, 0.0013%; no homozygotes.

Submissions (2):

Labcorp Genetics (formerly Invitae), Labcorp
Classification: Uncertain significance. Last evaluated: 2021-03-26. Review status: criteria provided, single submitter. Criteria: Invitae Variant Classification Sherloc (09022015). Collection method: clinical testing. Allele origin: germline.
Comment: In summary, the available evidence is currently insufficient to determine the role of this variant in disease. Therefore, it has been classified as a Variant of Uncertain Significance. Algorithms developed to predict the effect of missense changes on protein structure and function (SIFT, PolyPhen-2, Align-GVGD) all suggest that this variant is likely to be disruptive, but these predictions have not been confirmed by published functional studies and their clinical significance is uncertain. This variant has not been reported in the literature in individuals with SLC1A4-related conditions. This variant is not present in population databases (ExAC no frequency). This sequence change replaces alanine with threonine at codon 425 of the SLC1A4 protein (p.Ala425Thr). The alanine residue is highly conserved and there is a small physicochemical difference between alanine and threonine.

Ambry Genetics
Classification: Uncertain significance for Inborn genetic diseases. Last evaluated: 2021-01-12. Review status: criteria provided, single submitter. Criteria: Ambry Variant Classification Scheme 2023. Collection method: clinical testing. Allele origin: germline.

NM_003038.5(SLC1A4):c.1273G>A (p.Ala425Thr)

Gene: SLC1A4 (solute carrier family 1 member 4; plus strand). Cytogenetic location: 2p14.
Variant type: single nucleotide variant.
Coding change: c.1273G>A on transcript NM_003038.5 (MANE Select); coding-DNA position 1273, G replaced by A.
Protein change: p.Ala425Thr; replaces alanine 425 with threonine.
Molecular consequence: missense variant.
Genome position (GRCh38, 1-based): chr2:65,018,588, G>A. VCF-style: chr2-65018588-G-A. GRCh37 (hg19) VCF-style: chr2-65245722-G-A.
Other names: c.379G>A, p.Ala127Thr (NM_001193493.2); c.613G>A, p.Ala205Thr (NM_001348406.2, NM_001348407.2); c.1273G>A (NM_003038.4); short protein forms A127T, A425T, A205T.
Identifiers: ClinVar variation 1414484 (VCV001414484.9), dbSNP rs1169386601, ClinGen allele CA347011050.